The following is an entry in ClinVar:

ClinVar aggregate classification (germline): Likely pathogenic (1 of 4 stars; one submission).

Conditions:
Deficiency of UDPglucose-hexose-1-phosphate uridylyltransferase. Also called: GALT deficiency; Galactosemia, classic; Transferase Deficiency Galactosemia; GALACTOSEMIA I; GALACTOSE-1-PHOSPHATE URIDYLYLTRANSFERASE DEFICIENCY. Identifiers: Orphanet 352, Orphanet 79239, MedGen C0268151, MONDO:0009258, OMIM 230400.

Submission:

Labcorp Genetics (formerly Invitae), Labcorp
Classification: Likely pathogenic for Deficiency of UDPglucose-hexose-1-phosphate uridylyltransferase. Last evaluated: 2024-01-31. Review status: criteria provided, single submitter. Criteria: Invitae Variant Classification Sherloc (09022015). Collection method: clinical testing. Allele origin: germline.
Comment: This sequence change replaces arginine, which is basic and polar, with proline, which is neutral and non-polar, at codon 272 of the GALT protein (p.Arg272Pro). This variant is not present in population databases (gnomAD no frequency). This missense change has been observed in individual(s) with classic galactosemia (Invitae). Advanced modeling of protein sequence and biophysical properties (such as structural, functional, and spatial information, amino acid conservation, physicochemical variation, residue mobility, and thermodynamic stability) performed at Invitae indicates that this missense variant is expected to disrupt GALT protein function with a positive predictive value of 95%. This variant disrupts the p.Arg272 amino acid residue in GALT. Other variant(s) that disrupt this residue have been determined to be pathogenic (PMID: 22944367; Invitae). This suggests that this residue is clinically significant, and that variants that disrupt this residue are likely to be disease-causing. In summary, the currently available evidence indicates that the variant is pathogenic, but additional data are needed to prove that conclusively. Therefore, this variant has been classified as Likely Pathogenic.

Literature cited by the submitters: PubMed 22944367.

NM_000155.4(GALT):c.815G>C (p.Arg272Pro)

Gene: GALT (galactose-1-phosphate uridylyltransferase; plus strand). Cytogenetic location: 9p13.3.
Variant type: single nucleotide variant.
Coding change: c.815G>C on transcript NM_000155.4 (MANE Select); coding-DNA position 815, G replaced by C.
Protein change: p.Arg272Pro; replaces arginine 272 with proline.
Molecular consequence: missense variant.
Genome position (GRCh38, 1-based): chr9:34,648,889, G>C. VCF-style: chr9-34648889-G-C. GRCh37 (hg19) VCF-style: chr9-34648886-G-C.
Other names: c.488G>C, p.Arg163Pro (NM_001258332.2); short protein forms R163P, R272P.
Identifiers: ClinVar variation 3622006 (VCV003622006.2).